The following is an entry in ClinVar:

NM_001723.7(DST):c.7563_7573del (p.Glu2521fs)

Gene: DST (dystonin; minus strand). Cytogenetic location: 6p12.1.
Variant type: Deletion.
Coding change: c.7563_7573del on transcript NM_001723.7 (MANE Plus Clinical); coding-DNA positions 7563 to 7573, 11 bases deleted (ATTAGTAATCA).
Protein change: p.Glu2521fs; shifts the reading frame from glutamic acid 2521.
Molecular consequence: frameshift variant. On other transcripts: intron variant (10).
Genome position (GRCh38, 1-based): chr6:56,615,894-56,615,904, TGATTACTAAT deleted on the plus strand (ATTAGTAATCA on the coding strand, the reverse complement: DST is on the minus strand); deleting any 11 consecutive bases within chr6:56,615,894-56,615,905 gives the same sequence; the c. name uses the placement nearest the transcript's 3' end. VCF-style (leftmost placement, unchanged base first): chr6-56615893-GTGATTACTAAT-G. GRCh37 (hg19) VCF-style: chr6-56480691-GTGATTACTAAT-G.
Other names: c.4831-1420_4831-1410del (NM_001144769.5); c.4930-1420_4930-1410del (NM_001374722.1, NM_001374736.1); c.4957-1420_4957-1410del (NM_001374734.1); c.4417-1420_4417-1410del (NM_001144770.2); c.4297-1420_4297-1410del (NM_001374730.1, NM_001386100.1, NM_183380.4 and 1 more transcripts); c.3319-1420_3319-1410del (NM_015548.5); short protein forms E2521fs.
Identifiers: ClinVar variation 2068830 (VCV002068830.4), dbSNP rs2536590035, ClinGen allele CA2543873686.

ClinVar aggregate classification (germline): Uncertain significance (1 of 4 stars; one submission).

Conditions:
Hereditary sensory and autonomic neuropathy type 6. Also called: HSAN VI; Neuropathy, hereditary sensory and autonomic, type VI. Identifiers: Orphanet 314381, MedGen C3539003, MONDO:0013839, OMIM 614653.
Epidermolysis bullosa simplex 3, localized or generalized intermediate, with BP230 deficiency (EBS3). Also called: Epidermolysis bullosa simplex, autosomal recessive 2; Epidermolysis bullosa simplex due to BP230 deficiency. Identifiers: Orphanet 412181, MedGen C3809470, MONDO:0014180, OMIM 615425.

Submission:

Labcorp Genetics (formerly Invitae), Labcorp
Classification: Uncertain significance for Epidermolysis bullosa simplex 3, localized or generalized intermediate, with BP230 deficiency; Hereditary sensory and autonomic neuropathy type 6. Last evaluated: 2022-09-03. Review status: criteria provided, single submitter. Criteria: Invitae Variant Classification Sherloc (09022015). Collection method: clinical testing. Allele origin: germline.
Comment: This variant is not present in population databases (gnomAD no frequency). In summary, the available evidence is currently insufficient to determine the role of this variant in disease. Therefore, it has been classified as a Variant of Uncertain Significance. Experimental studies and prediction algorithms are not available or were not evaluated, and the functional significance of this variant is currently unknown. This variant has not been reported in the literature in individuals affected with DST-related conditions. This sequence change creates a premature translational stop signal (p.Glu2521Aspfs*9) in the DST gene. While this is not anticipated to result in nonsense mediated decay, it is expected to disrupt the last 129 amino acid(s) of the DST protein.